The following is an entry in ClinVar:

NM_014053.4(FLVCR1):c.1534A>G (p.Lys512Glu)

Gene: FLVCR1 (FLVCR choline and heme transporter 1; plus strand). Cytogenetic location: 1q32.3.
Variant type: single nucleotide variant.
Coding change: c.1534A>G on transcript NM_014053.4 (MANE Select); coding-DNA position 1534, A replaced by G.
Protein change: p.Lys512Glu; replaces lysine 512 with glutamic acid.
Molecular consequence: missense variant.
Genome position (GRCh38, 1-based): chr1:212,894,994, A>G. VCF-style: chr1-212894994-A-G. GRCh37 (hg19) VCF-style: chr1-213068336-A-G.
Other names: short protein forms K512E.
Identifiers: ClinVar variation 1910954 (VCV001910954.3), dbSNP rs112913904, ClinGen allele CA36899974.

ClinVar aggregate classification (germline): Uncertain significance (1 of 4 stars; one submission).

Allele frequency attached by ClinVar (database versions not stated): gnomAD exomes below 0.00001; TOPMed below 0.00001.
gnomAD v4.1: 12 of 1,603,388 alleles (0.00075%); highest among the groups gnomAD compares: African/African-American, 0.0053%; no homozygotes.

Submission:

Labcorp Genetics (formerly Invitae), Labcorp
Classification: Uncertain significance. Last evaluated: 2022-07-26. Review status: criteria provided, single submitter. Criteria: Invitae Variant Classification Sherloc (09022015). Collection method: clinical testing. Allele origin: germline.
Comment: In summary, the available evidence is currently insufficient to determine the role of this variant in disease. Therefore, it has been classified as a Variant of Uncertain Significance. Algorithms developed to predict the effect of missense changes on protein structure and function are either unavailable or do not agree on the potential impact of this missense change (SIFT: "Deleterious"; PolyPhen-2: "Possibly Damaging"; Align-GVGD: "Class C0"). This variant has not been reported in the literature in individuals affected with FLVCR1-related conditions. This variant is present in population databases (rs112913904, gnomAD 0.003%). This sequence change replaces lysine, which is basic and polar, with glutamic acid, which is acidic and polar, at codon 512 of the FLVCR1 protein (p.Lys512Glu).